The following is an entry in ClinVar:

ClinVar aggregate classification (germline): Uncertain significance (1 of 4 stars; one submission).

Conditions:
Familial thoracic aortic aneurysm and aortic dissection (TAAD). Also called: Thoracic aortic aneurysms and dissections. Identifiers: Orphanet 91387, MedGen C4707243, MONDO:0019625.

Allele frequency attached by ClinVar (database versions not stated): gnomAD exomes below 0.00001; TOPMed 0.00001.
gnomAD v4.1: 4 of 1,204,683 alleles (0.00033%); highest among the groups gnomAD compares: African/African-American, 0.0035%; no homozygotes.

Submissions (2):

Ambry Genetics
Classification: Uncertain significance for Familial thoracic aortic aneurysm and aortic dissection. Last evaluated: 2022-10-17. Review status: criteria provided, single submitter. Criteria: Ambry Variant Classification Scheme 2023. Collection method: clinical testing. Allele origin: germline.
Comment: The p.R2089W variant (also known as c.6265C>T), located in coding exon 42 of the MED12 gene, results from a C to T substitution at nucleotide position 6265. The arginine at codon 2089 is replaced by tryptophan, an amino acid with dissimilar properties. This amino acid position is conserved. In addition, this alteration is predicted to be tolerated by in silico analysis. Since supporting evidence is limited at this time, the clinical significance of this alteration remains unclear.

Dr. Peter K. Rogan Lab, Western University
No classification provided (evidence only). Condition: Glioma susceptibility 1. Review status: no classification provided. Collection method: in vitro. Allele origin: not applicable. Functional consequence: retained intron. Not counted in ClinVar's aggregate classification.

NM_005120.3(MED12):c.6265C>T (p.Arg2089Trp)

Gene: MED12 (mediator complex subunit 12; plus strand). Cytogenetic location: Xq13.1.
Variant type: single nucleotide variant.
Coding change: c.6265C>T on transcript NM_005120.3 (MANE Select); coding-DNA position 6265, C replaced by T.
Protein change: p.Arg2089Trp; replaces arginine 2089 with tryptophan.
Molecular consequence: missense variant.
Genome position (GRCh38, 1-based): chrX:71,140,855, C>T. VCF-style: chrX-71140855-C-T. GRCh37 (hg19) VCF-style: chrX-70360705-C-T.
Other names: NC_000023.10:g.70360705C>T; short protein forms R2089W.
Identifiers: ClinVar variation 1752511 (VCV001752511.3), dbSNP rs1210702033, ClinGen allele CA413541107.